The following is an entry in ClinVar:

ClinVar aggregate classification (germline): Likely benign (1 of 4 stars; one submission).

Submission:

CeGaT Center for Human Genetics Tuebingen
Classification: Likely benign. Last evaluated: 2024-02-01. Review status: criteria provided, single submitter. Criteria: CeGaT Center For Human Genetics Tuebingen Variant Classification Criteria Version 2. Collection method: clinical testing. Allele origin: germline. Affected: yes. Observed: 1 variant allele.
Comment: PDHA1: PM2, PP2, BS2

NM_000284.4(PDHA1):c.796A>G (p.Thr266Ala)

Gene: PDHA1 (pyruvate dehydrogenase E1 subunit alpha 1; plus strand). Cytogenetic location: Xp22.12.
Variant type: single nucleotide variant.
Coding change: c.796A>G on transcript NM_000284.4 (MANE Select); coding-DNA position 796, A replaced by G.
Protein change: p.Thr266Ala; replaces threonine 266 with alanine.
Molecular consequence: missense variant.
Genome position (GRCh38, 1-based): chrX:19,355,722, A>G. VCF-style: chrX-19355722-A-G. GRCh37 (hg19) VCF-style: chrX-19373840-A-G.
Other names: c.910A>G, p.Thr304Ala (NM_001173454.2); c.817A>G, p.Thr273Ala (NM_001173455.2); c.703A>G, p.Thr235Ala (NM_001173456.2); short protein forms T235A, T266A, T273A, T304A.
Identifiers: ClinVar variation 3025238 (VCV003025238.22), dbSNP rs2063192588, ClinGen allele CA412394790.